The following is an entry in ClinVar:

NM_015272.5(RPGRIP1L):c.2962A>T (p.Thr988Ser)

Gene: RPGRIP1L (RPGRIP1 like; minus strand). Cytogenetic location: 16q12.2.
Variant type: single nucleotide variant.
Coding change: c.2962A>T on transcript NM_015272.5 (MANE Select); coding-DNA position 2962, A replaced by T.
Protein change: p.Thr988Ser; replaces threonine 988 with serine.
Molecular consequence: missense variant. On other transcripts: intron variant (2).
Genome position (GRCh38, 1-based): chr16:53,638,408, T>A on the plus strand (A>T on the coding strand, the complement: RPGRIP1L is on the minus strand). VCF-style: chr16-53638408-T-A. GRCh37 (hg19) VCF-style: chr16-53672320-T-A.
Other names: c.2962A>T, p.Thr988Ser (NM_001308334.3); c.2959-554A>T (NM_001127897.4, NM_001330538.2); short protein forms T988S.
Identifiers: ClinVar variation 2110862 (VCV002110862.4), dbSNP rs2544002409, ClinGen allele CA395926698.

ClinVar aggregate classification (germline): Uncertain significance (1 of 4 stars; one submission).

Conditions:
Joubert syndrome. Also called: CEREBELLOPARENCHYMAL DISORDER IV; JOUBERT-BOLTSHAUSER SYNDROME; Familial aplasia of the vermis. Identifiers: Orphanet 475, MedGen C5979921, MONDO:0018772.
Meckel-Gruber syndrome. Also called: DYSENCEPHALIA SPLANCHNOCYSTICA; GRUBER SYNDROME; Dysencephalia splachnocystica. Identifiers: Orphanet 564, MedGen C0265215, MONDO:0018921.

Submission:

Labcorp Genetics (formerly Invitae), Labcorp
Classification: Uncertain significance for Joubert syndrome; Meckel-Gruber syndrome. Last evaluated: 2022-03-23. Review status: criteria provided, single submitter. Criteria: Invitae Variant Classification Sherloc (09022015). Collection method: clinical testing. Allele origin: germline.
Comment: In summary, the available evidence is currently insufficient to determine the role of this variant in disease. Therefore, it has been classified as a Variant of Uncertain Significance. Algorithms developed to predict the effect of missense changes on protein structure and function (SIFT, PolyPhen-2, Align-GVGD) all suggest that this variant is likely to be tolerated. This variant has not been reported in the literature in individuals affected with RPGRIP1L-related conditions. This variant is not present in population databases (gnomAD no frequency). This sequence change replaces threonine, which is neutral and polar, with serine, which is neutral and polar, at codon 988 of the RPGRIP1L protein (p.Thr988Ser).